The following is an entry in ClinVar:

ClinVar aggregate classification (germline): Likely pathogenic (1 of 4 stars; one submission).

Submission:

Labcorp Genetics (formerly Invitae), Labcorp
Classification: Likely pathogenic. Last evaluated: 2022-08-05. Review status: criteria provided, single submitter. Criteria: Invitae Variant Classification Sherloc (09022015). Collection method: clinical testing. Allele origin: germline.
Comment: In summary, the currently available evidence indicates that the variant is pathogenic, but additional data are needed to prove that conclusively. Therefore, this variant has been classified as Likely Pathogenic. This variant disrupts the p.Pro95 amino acid residue in RP2. Other variant(s) that disrupt this residue have been determined to be pathogenic (PMID: 10937588, 21738648, 28209709; Invitae). This suggests that this residue is clinically significant, and that variants that disrupt this residue are likely to be disease-causing. A similar copy number variant has been observed in individual(s) with retinitis pigmentosa (Invitae). This variant is a gross deletion of the genomic region encompassing exon(s) 2 of the RP2 gene. This variant would be expected to be in-frame, preserving the integrity of the reading frame.

Literature cited by the submitters: PubMed 10937588; PubMed 21738648; PubMed 28209709.

NC_000023.10:g.(?_46712891)_(46713596_?)del

Gene: RP2 (RP2 activator of ARL3 GTPase; plus strand). Cytogenetic location: Xp11.23.
Variant type: Deletion.
Identifiers: ClinVar variation 1067298 (VCV001067298.8).